The following is an entry in ClinVar:

NM_002439.5(MSH3):c.679A>T (p.Ser227Cys)

Gene: MSH3 (mutS homolog 3; plus strand). Cytogenetic location: 5q14.1.
Variant type: single nucleotide variant.
Coding change: c.679A>T on transcript NM_002439.5 (MANE Select); coding-DNA position 679, A replaced by T.
Protein change: p.Ser227Cys; replaces serine 227 with cysteine.
Molecular consequence: missense variant.
Genome position (GRCh38, 1-based): chr5:80,670,196, A>T. VCF-style: chr5-80670196-A-T. GRCh37 (hg19) VCF-style: chr5-79966015-A-T.
Other names: c.679A>T (NM_002439.3); short protein forms S227C.
Identifiers: ClinVar variation 1005690 (VCV001005690.12), dbSNP rs1749673132, ClinGen allele CA360266734.

ClinVar aggregate classification (germline): Uncertain significance. Review status: criteria provided, multiple submitters, no conflicts (2 of 4 stars). 2 submissions from 2 submitters: Uncertain significance (2). Last evaluated 2025-03-22.

Conditions:
Hereditary cancer-predisposing syndrome. Also called: Hereditary neoplastic syndrome; Neoplastic Syndromes, Hereditary; Tumor predisposition; Hereditary Cancer Syndrome. Identifiers: Orphanet 140162, MedGen C0027672, MeSH D009386, MONDO:0015356.

Submissions (2):

Ambry Genetics
Classification: Uncertain significance for Hereditary cancer-predisposing syndrome. Last evaluated: 2025-03-22. Review status: criteria provided, single submitter. Criteria: Ambry Variant Classification Scheme 2023. Collection method: clinical testing. Allele origin: germline.
Comment: The p.S227C variant (also known as c.679A>T), located in coding exon 4 of the MSH3 gene, results from an A to T substitution at nucleotide position 679. The serine at codon 227 is replaced by cysteine, an amino acid with dissimilar properties. This amino acid position is conserved. In addition, the in silico prediction for this alteration is inconclusive. Since supporting evidence is limited at this time, the clinical significance of this alteration remains unclear.

Labcorp Genetics (formerly Invitae), Labcorp
Classification: Uncertain significance. Last evaluated: 2023-07-31. Review status: criteria provided, single submitter. Criteria: Invitae Variant Classification Sherloc (09022015). Collection method: clinical testing. Allele origin: germline.
Comment: This sequence change replaces serine, which is neutral and polar, with cysteine, which is neutral and slightly polar, at codon 227 of the MSH3 protein (p.Ser227Cys). This variant is not present in population databases (gnomAD no frequency). In summary, the available evidence is currently insufficient to determine the role of this variant in disease. Therefore, it has been classified as a Variant of Uncertain Significance. An algorithm developed to predict the effect of missense changes on protein structure and function (PolyPhen-2) suggests that this variant is likely to be tolerated. ClinVar contains an entry for this variant (Variation ID: 1005690). This variant has not been reported in the literature in individuals affected with MSH3-related conditions.